The following is an entry in ClinVar:

ClinVar aggregate classification (germline): Uncertain significance (1 of 4 stars; one submission).

Conditions:
Cockayne syndrome. Identifiers: Orphanet 191, MedGen C0009207, MONDO:0016006.
Fanconi anemia complementation group Q. Identifiers: Orphanet 84, MedGen C3808988, MONDO:0014108, OMIM 615272.
Xeroderma pigmentosum, group F (XPF). Also called: XERODERMA PIGMENTOSUM VI; XP, GROUP F; XERODERMA PIGMENTOSUM, TYPE F; Xeroderma pigmentosum, type 6; ERCC4-Related Xeroderma Pigmentosum; XERODERMA PIGMENTOSUM, COMPLEMENTATION GROUP F. Identifiers: MedGen C0268140, MONDO:0010215, OMIM 278760.

Submission:

Labcorp Genetics (formerly Invitae), Labcorp
Classification: Uncertain significance for Fanconi anemia complementation group Q; Xeroderma pigmentosum, group F; Cockayne syndrome. Last evaluated: 2025-03-18. Review status: criteria provided, single submitter. Criteria: Invitae Variant Classification Sherloc (09022015). Collection method: clinical testing. Allele origin: germline.
Comment: This sequence change replaces valine, which is neutral and non-polar, with leucine, which is neutral and non-polar, at codon 59 of the ERCC4 protein (p.Val59Leu). This variant is not present in population databases (gnomAD no frequency). This variant has not been reported in the literature in individuals affected with ERCC4-related conditions. Invitae Evidence Modeling of protein sequence and biophysical properties (such as structural, functional, and spatial information, amino acid conservation, physicochemical variation, residue mobility, and thermodynamic stability) indicates that this missense variant is not expected to disrupt ERCC4 protein function with a negative predictive value of 80%. In summary, the available evidence is currently insufficient to determine the role of this variant in disease. Therefore, it has been classified as a Variant of Uncertain Significance.

NM_005236.3(ERCC4):c.175G>T (p.Val59Leu)

Genes: ERCC4 (ERCC excision repair 4, endonuclease catalytic subunit; plus strand), LOC130058543 (ATAC-STARR-seq lymphoblastoid active region 10486; plus strand). Cytogenetic location: 16p13.12.
Variant type: single nucleotide variant.
Coding change: c.175G>T on transcript NM_005236.3 (MANE Select); coding-DNA position 175, G replaced by T.
Protein change: p.Val59Leu; replaces valine 59 with leucine.
Molecular consequence: missense variant.
Genome position (GRCh38, 1-based): chr16:13,920,340, G>T. VCF-style: chr16-13920340-G-T. GRCh37 (hg19) VCF-style: chr16-14014197-G-T.
Other names: short protein forms V59L.
Identifiers: ClinVar variation 4794691 (VCV004794691.1).